The following is an entry in ClinVar:

NM_000257.4(MYH7):c.715G>A (p.Asp239Asn)

Gene: MYH7 (myosin heavy chain 7; minus strand). Cytogenetic location: 14q11.2.
Variant type: single nucleotide variant.
Coding change: c.715G>A on transcript NM_000257.4 (MANE Select); coding-DNA position 715, G replaced by A.
Protein change: p.Asp239Asn; replaces aspartic acid 239 with asparagine.
Molecular consequence: missense variant.
Genome position (GRCh38, 1-based): chr14:23,431,602, C>T on the plus strand (G>A on the coding strand, the complement: MYH7 is on the minus strand). VCF-style: chr14-23431602-C-T. GRCh37 (hg19) VCF-style: chr14-23900811-C-T.
Other names: NM_000257.4(MYH7):c.715G>A; short protein forms D239N.
Identifiers: ClinVar variation 43100 (VCV000043100.39), dbSNP rs397516264, ClinGen allele CA016679.
Genomic context (GRCh38, chr14:23,431,602, plus strand): 5'-TCCACCAGTCCAAGTCCCAAGGCCAAGGTCAGGGACCACTCACGAAGCGGGAGGAGTTGT[C>T]GTTCCGGACGGTCTTGGCATTGCCAAAGGCCTCCAGAGCAGGGTTGGCCTGGATGATCTG-3'
Protein context (NP_000248.2, residues 229-249): AFGNAKTVRN[Asp239Asn]NSSRFGKFIR

ClinVar aggregate classification (germline): Likely pathogenic. Review status: reviewed by expert panel (3 of 4 stars). 13 submissions from 13 submitters: Likely pathogenic (1). 12 of the submissions do not count toward it. Last evaluated 2021-03-22.

Conditions:
Dilated cardiomyopathy 1S (CMD1S). Identifiers: Orphanet 154, Orphanet 54260, MedGen C1834481, MONDO:0013262, OMIM 613426.
Hypertrophic cardiomyopathy 1 (CMH1). Also called: Familial hypertrophic cardiomyopathy 1; MYH7-Related Familial Hypertrophic Cardiomyopathy. Identifiers: MedGen C3495498, MONDO:0008647, OMIM 192600.
Myopathy, myosin storage, autosomal recessive (CMYO7B). Also called: CONGENITAL MYOPATHY 7B, MYOSIN STORAGE, AUTOSOMAL RECESSIVE. Identifiers: Orphanet 636970, MedGen C1850709, MONDO:0009708, OMIM 255160.
MYH7-related skeletal myopathy. Also called: Myopathy, distal, 1; Laing distal myopathy; Laing early-onset distal myopathy; MYOPATHY, DISTAL, EARLY-ONSET, AUTOSOMAL DOMINANT; MYOPATHY, LATE DISTAL HEREDITARY. Identifiers: Orphanet 59135, MedGen C4552004, MONDO:0008050, OMIM 160500.
Myosin storage myopathy (CMYO7A). Also called: MYOPATHY, HYALINE BODY, AUTOSOMAL DOMINANT; MYOPATHY WITH LYSIS OF TYPE I MYOFIBRILS; SCAPULOPERONEAL MUSCULAR DYSTROPHY; SCAPULOPERONEAL SYNDROME, MYOPATHIC TYPE; MYH7-related late-onset scapuloperoneal muscular dystrophy; Congenital myopathy 7A, myosin storage, autosomal dominant. Identifiers: Orphanet 437572, Orphanet 636965, MedGen C1842160, MONDO:0008409, OMIM 608358.
Congenital myopathy with fiber type disproportion. Also called: Congenital fiber-type disproportion myopathy; Congenital fiber-type disproportion. Identifiers: Orphanet 2020, MedGen C0546264, MONDO:0009711. Inheritance: all.
MYH7-related disorder. Also called: MYH7-related disorders; MYH7-related condition; MYH7-related disease.
Cardiovascular phenotype. Identifiers: MedGen CN230736.
Cardiomyopathy (CMYO). Also called: Cardiomyopathies. Identifiers: Orphanet 167848, MedGen C0878544, MONDO:0004994, HP:0001638. Inheritance: Various modes of inheritance.
Hypertrophic cardiomyopathy. Also called: HYPERTROPHIC MYOCARDIOPATHY. Identifiers: Orphanet 217569, MedGen C0007194, MeSH D002312, MONDO:0005045, HP:0001639.

Allele frequency attached by ClinVar (database versions not stated): gnomAD exomes below 0.00001; TOPMed below 0.00001.
gnomAD v4.1: 7 of 1,614,268 alleles (0.00043%); highest among the groups gnomAD compares: Admixed American, 0.0033%; no homozygotes.

Submissions 1 to 6 of 13:

ClinGen Cardiomyopathy Variant Curation Expert Panel
Classification: Likely pathogenic for Hypertrophic cardiomyopathy. Last evaluated: 2021-03-22. Review status: reviewed by expert panel. Criteria: ClinGen CMP ACMG Specifications v1. Collection method: curation. Allele origin: germline. Inheritance: Autosomal dominant inheritance.
Comment: The c.715G>A (p.Asp239Asn) variant in MYH7 has been identified in at least 13 individuals with HCM (PS4_Moderate; Iascone 2007 PMID:17438619; Kaski 2009 PMID:20031618; Garcia-Pavia 2011 PMID:21896538; Murphy 2016 PMID:26914223; Homburger 2016 PMID:27247418; Walsh 2017 PMID:27532257; Ingles 2017 PMID:28408708) and segregated with HCM in 5 affected individuals from 4 families (PP1_Moderate; Iascone 2007 PMID:17438619; Garcia-Pavia 2011 PMID:21896538; LMM ClinVar SCV000059647.6 and pers comm). This variant has been identified in 0.003% (1/34592) of Latino chromosomes but is absent from all other populations in gnomAD v2.1.1 (PM2). This variant lies in the head region of the protein (aa 181-937) and missense variants in this region are statistically more likely to be disease-associated (PM1; Walsh 2017 PMID:27532257). Computational prediction tools and conservation analysis were mixed about the potential impact of this variant. In summary, this variant meets criteria to be classified as likely pathogenic for hypertrophic cardiomyopathy in an autosomal dominant manner. MYH7-specific ACMG/AMP criteria applied (Kelly 2018 PMID:29300372): PS4_Moderate; PP1_Moderate; PM2; PM1

Molecular Diagnostic Laboratory for Inherited Cardiovascular Disease, Montreal Heart Institute
Classification: Pathogenic for Cardiovascular phenotype. Last evaluated: 2026-05-06. Review status: criteria provided, single submitter. Criteria: ACMG Guidelines, 2015. Collection method: clinical testing. Allele origin: germline. Affected: yes. Not counted in ClinVar's aggregate classification.

Labcorp Genetics (formerly Invitae), Labcorp
Classification: Pathogenic for Hypertrophic cardiomyopathy. Last evaluated: 2025-11-24. Review status: criteria provided, single submitter. Criteria: Invitae Variant Classification Sherloc (09022015). Collection method: clinical testing. Allele origin: germline. Not counted in ClinVar's aggregate classification.
Comment: This sequence change replaces aspartic acid, which is acidic and polar, with asparagine, which is neutral and polar, at codon 239 of the MYH7 protein (p.Asp239Asn). This variant is present in population databases (rs397516264, gnomAD 0.003%). This missense change has been observed in individuals with inherited arrhythmia and hypertrophic cardiomyopathy (PMID: 20031618, 21896538, 26743238, 26914223, 27247418, 27532257). ClinVar contains an entry for this variant (Variation ID: 43100). Invitae Evidence Modeling of protein sequence and biophysical properties (such as structural, functional, and spatial information, amino acid conservation, physicochemical variation, residue mobility, and thermodynamic stability) indicates that this missense variant is expected to disrupt MYH7 protein function with a positive predictive value of 95%. Experimental studies have shown that this missense change affects MYH7 function (PMID: 27974200). This variant is found within a region of MYH7 between codons 181 and 937 that contains the majority of the myosin head domain. Missense variants in this region have been shown to be significantly overrepresented in individuals with hypertrophic cardiomyopathy (PMID: 27532257). For these reasons, this variant has been classified as Pathogenic.

3billion
Classification: Likely pathogenic for Hypertrophic cardiomyopathy 1. Last evaluated: 2024-09-13. Review status: criteria provided, single submitter. Criteria: ACMG Guidelines, 2015. Collection method: clinical testing. Allele origin: germline. Affected: yes. Not counted in ClinVar's aggregate classification.
Comment: The variant is observed at an extremely low frequency in the gnomAD v4.0.0 dataset (total allele frequency: <0.001%). Predicted Consequence/Location: The variant is located in a mutational hot spot and/or well-established functional domain in which established pathogenic variants have been reported (PMID: 29300372). In silico tool predictions suggest damaging effect of the variant on gene or gene product [REVEL: 0.66 (>=0.6, sensitivity 0.68 and specificity 0.92); 3Cnet: 0.99 (>=0.6, sensitivity 0.72 and precision 0.9)]. The same nucleotide change resulting in the same amino acid change has been previously reported as pathogenic/likely pathogenic with strong evidence (ClinVar ID: VCV000043100 /3billion dataset). Therefore, this variant is classified as Likely pathogenic according to the recommendation of ACMG/AMP guideline.

Ambry Genetics
Classification: Pathogenic for Cardiovascular phenotype. Last evaluated: 2024-04-15. Review status: criteria provided, single submitter. Criteria: Ambry Variant Classification Scheme 2023. Collection method: clinical testing. Allele origin: germline. Not counted in ClinVar's aggregate classification.
Comment: The p.D239N pathogenic mutation (also known as c.715G>A), located in coding exon 6 of the MYH7 gene, results from a G to A substitution at nucleotide position 715. The aspartic acid at codon 239 is replaced by asparagine, an amino acid with highly similar properties. This alteration has been reported in several individuals with hypertrophic cardiomyopathy (HCM), often characterized by an early age of onset (Homburger JR et al. Proc. Natl. Acad. Sci. U.S.A., 2016 06;113:6701-6; Kaski JP et al. Circ Cardiovasc Genet, 2009 Oct;2:436-41; Murphy SL et al. J Cardiovasc Transl Res, 2016 Apr;9:153-61; Garcia-Pavia P et al. Eur. J. Heart Fail., 2011 Nov;13:1193-201; Iascone MR et al. Hum. Genet., 2007 Feb;120:916; Ross SB et al. Circ Cardiovasc Genet, 2017 Jun;10; Adler A et al. Circ Arrhythm Electrophysiol, 2016 Jan;9:e003440; Alejandra Restrepo-Cordoba M et al. J Cardiovasc Transl Res, 2017 Feb;10:35-46; Ingles J et al. Circ Cardiovasc Genet, 2017 Apr;10; Norrish G et al. Circulation, 2019 07;140:184-192; Walsh R et al. Genet. Med., 2017 02;19:192-203). This alteration has been described to segregate with HCM in multiple families (Garcia-Pavia P et al. Eur. J. Heart Fail., 2011 Nov;13:1193-201; Iascone MR et al. Hum. Genet., 2007 Feb;120:916). Functional in vitro analyses have suggested this variant increases catalytic rate, velocity, and generation of force and therefore may adversely affect ventricular contraction (Adhikari AS et al. Cell Rep. 2016;17:2857-2864). This alteration is located in the myosin head domain, which contains a statistically significant clustering of pathogenic missense variants (Homburger JR et al. Proc Natl Acad Sci U S A, 2016 06;113:6701-6; Walsh R et al. Genet Med, 2017 02;19:192-203; Ambry internal data). This amino acid position is highly conserved in available vertebrate species. In addition, the in silico prediction for this alteration is inconclusive. This variant is considered to be rare based on population cohorts in the Genome Aggregation Database (gnomAD). Based on the supporting evidence, this alteration is interpreted as a disease-causing mutation.

Blueprint Genetics
Classification: Pathogenic for MYH7-related disorders. Last evaluated: 2023-12-07. Review status: criteria provided, single submitter. Criteria: ACMG Guidelines, 2015. Collection method: clinical testing. Allele origin: germline. Affected: yes. Observed: 5 variant alleles. Not counted in ClinVar's aggregate classification.